The following is an entry in ClinVar:

NM_001358530.2(MOCS1):c.1879GGT[3] (p.Gly628_Gln629insGly)

Gene: MOCS1 (molybdenum cofactor synthesis 1; minus strand). Cytogenetic location: 6p21.2.
Variant type: Microsatellite.
Coding change: c.1879GGT[3] on transcript NM_001358530.2 (MANE Select); three copies in a row of the 3-base unit GGT starting at c.1879; the reference has two copies in a row; one copy, 3 bases duplicated.
Protein change: p.Gly628_Gln629insGly.
Molecular consequence: inframe insertion. On other transcripts: 3 prime UTR variant (4), non-coding transcript variant (1).
Genome position (GRCh38, 1-based): chr6:39,906,384-39,906,386, ACC duplicated on the plus strand (GGT on the coding strand, the reverse complement: MOCS1 is on the minus strand); duplicating any 3 consecutive bases within chr6:39,906,384-39,906,390 gives the same sequence; the position shown is the placement nearest the transcript's 3' end. VCF-style (leftmost placement, unchanged base first): chr6-39906383-G-GACC. GRCh37 (hg19) VCF-style: chr6-39874159-G-GACC.
Other names: c.*736GGT[3] (NM_001075098.4, NM_001358533.2, NM_001358534.2 and 1 more transcripts); c.1831GGT[3], p.Gly612_Gln613insGly (NM_001358529.2); c.1618GGT[3], p.Gly541_Gln542insGly (NM_001358531.2).
Identifiers: ClinVar variation 2099262 (VCV002099262.3), dbSNP rs2482249574, ClinGen allele CA2522783420.

ClinVar aggregate classification (germline): Uncertain significance (1 of 4 stars; one submission).

Conditions:
Sulfite oxidase deficiency due to molybdenum cofactor deficiency type A. Also called: Molybdenum Cofactor Deficiency A; Molybdenum cofactor deficiency, complementation group A. Identifiers: Orphanet 308386, Orphanet 833, MedGen C1854988, MONDO:0009643, OMIM 252150.

Submission:

Labcorp Genetics (formerly Invitae), Labcorp
Classification: Uncertain significance for Sulfite oxidase deficiency due to molybdenum cofactor deficiency type A. Last evaluated: 2022-05-27. Review status: criteria provided, single submitter. Criteria: Invitae Variant Classification Sherloc (09022015). Collection method: clinical testing. Allele origin: germline.
Comment: Experimental studies and prediction algorithms are not available or were not evaluated, and the functional significance of this variant is currently unknown. This variant has not been reported in the literature in individuals affected with MOCS1-related conditions. This variant is not present in population databases (gnomAD no frequency). This variant, c.1882_1884dup, results in the insertion of 1 amino acid(s) of the MOCS1 protein (p.Gly628dup), but otherwise preserves the integrity of the reading frame. In summary, the available evidence is currently insufficient to determine the role of this variant in disease. Therefore, it has been classified as a Variant of Uncertain Significance.